The following is an entry in ClinVar:

ClinVar aggregate classification (germline): Uncertain significance (1 of 4 stars; one submission).

Conditions:
Cardiovascular phenotype. Identifiers: MedGen CN230736.

gnomAD v4.1: 1 of 1,612,306 alleles (0.000062%); highest among the groups gnomAD compares: Middle Eastern, 0.022%; no homozygotes.

Submission:

Ambry Genetics
Classification: Uncertain significance for Cardiovascular phenotype. Last evaluated: 2026-02-19. Review status: criteria provided, single submitter. Criteria: Ambry Variant Classification Scheme 2023. Collection method: clinical testing. Allele origin: germline.
Comment: The p.R198K variant (also known as c.593G>A), located in coding exon 5 of the ABCG8 gene, results from a G to A substitution at nucleotide position 593. The arginine at codon 198 is replaced by lysine, an amino acid with highly similar properties. This amino acid position is conserved. In addition, this alteration is predicted to be tolerated by in silico analysis. Based on the available evidence, the clinical significance of this variant remains unclear.

NM_022437.3(ABCG8):c.593G>A (p.Arg198Lys)

Gene: ABCG8 (ATP binding cassette subfamily G member 8; plus strand). Cytogenetic location: 2p21.
Variant type: single nucleotide variant.
Coding change: c.593G>A on transcript NM_022437.3 (MANE Select); coding-DNA position 593, G replaced by A.
Protein change: p.Arg198Lys; replaces arginine 198 with lysine.
Molecular consequence: missense variant.
Genome position (GRCh38, 1-based): chr2:43,852,385, G>A. VCF-style: chr2-43852385-G-A. GRCh37 (hg19) VCF-style: chr2-44079524-G-A.
Other names: c.593G>A, p.Arg198Lys (NM_001357321.2); short protein forms R198K.
Identifiers: ClinVar variation 4824222 (VCV004824222.1).